The following is an entry in ClinVar:

ClinVar aggregate classification (germline): Pathogenic/Likely pathogenic. Review status: criteria provided, multiple submitters, no conflicts (2 of 4 stars). 2 submissions from 2 submitters: Pathogenic (1); Likely pathogenic (1). Last evaluated 2021-04-28.

Conditions:
O'Donnell-Luria-Rodan syndrome (ODLURO). Also called: KMT2E-Related Neurodevelopmental Disorder. Identifiers: MedGen C5193138, MONDO:0032793, OMIM 618512.

Submissions (2):

Institute of Human Genetics, Cologne University
Classification: Likely pathogenic for O'Donnell-Luria-Rodan syndrome. Last evaluated: 2021-04-28. Review status: criteria provided, single submitter. Criteria: ACMG Guidelines, 2015. Collection method: clinical testing. Allele origin: de novo. Affected: yes. Observed: 1 variant allele.

Labcorp Genetics (formerly Invitae), Labcorp
Classification: Pathogenic. Last evaluated: 2019-06-10. Review status: criteria provided, single submitter. Criteria: Invitae Variant Classification Sherloc (09022015). Collection method: clinical testing. Allele origin: germline.
Comment: For these reasons, this variant has been classified as Pathogenic. This variant is not present in population databases (ExAC no frequency). This sequence change results in a frameshift in the KMT2E gene (p.Pro1686Serfs*183). While this is not anticipated to result in nonsense mediated decay, it is expected to disrupt the last 173 amino acids of the KMT2E protein and extend the protein by an additional 10 amino acids.

NM_182931.3(KMT2E):c.5054dup (p.Pro1686fs)

Gene: KMT2E (lysine methyltransferase 2E (inactive); plus strand). Cytogenetic location: 7q22.3.
Variant type: Duplication.
Coding change: c.5054dup on transcript NM_182931.3 (MANE Select); coding-DNA position 5054, one base duplicated (G; older notation c.5054dupG).
Protein change: p.Pro1686fs; shifts the reading frame from proline 1686.
Molecular consequence: frameshift variant.
Genome position (GRCh38, 1-based): chr7:105,112,810, G duplicated; the last of 2 consecutive G bases (chr7:105,112,809-105,112,810); duplicating either gives the same sequence. VCF-style (leftmost placement, unchanged base first): chr7-105112808-T-TG. GRCh37 (hg19) VCF-style: chr7-104753255-T-TG.
Other names: c.5054dup, p.Pro1686fs (NM_018682.4); short protein forms P1686fs.
Identifiers: ClinVar variation 950234 (VCV000950234.10), dbSNP rs1799378709, ClinGen allele CA1139660164.